The following is an entry in ClinVar:

ClinVar aggregate classification (germline): Uncertain significance (1 of 4 stars; one submission).

Conditions:
Inborn genetic diseases. Identifiers: MedGen C0950123, MeSH D030342.

Allele frequency attached by ClinVar (database versions not stated): gnomAD exomes 0.00001; gnomAD 0.00002; TOPMed 0.00002.
gnomAD v4.1: 16 of 1,550,354 alleles (0.001%); highest among the groups gnomAD compares: Non-Finnish European, 0.0014%; no homozygotes.

Submission:

Ambry Genetics
Classification: Uncertain significance for Inborn genetic diseases. Last evaluated: 2020-11-24. Review status: criteria provided, single submitter. Criteria: Ambry Variant Classification Scheme 2023. Collection method: clinical testing. Allele origin: germline.
Comment: The p.E902K variant (also known as c.2704G>A), located in coding exon 26 of the KIF1A gene, results from a G to A substitution at nucleotide position 2704. The glutamic acid at codon 902 is replaced by lysine, an amino acid with similar properties. This amino acid position is not well conserved in available vertebrate species. In addition, this alteration is predicted to be tolerated by in silico analysis. Since supporting evidence is limited at this time, the clinical significance of this alteration remains unclear.

NM_001244008.2(KIF1A):c.2704G>A (p.Glu902Lys)

Gene: KIF1A (kinesin family member 1A; minus strand). Cytogenetic location: 2q37.3.
Variant type: single nucleotide variant.
Coding change: c.2704G>A on transcript NM_001244008.2 (MANE Select); coding-DNA position 2704, G replaced by A.
Protein change: p.Glu902Lys; replaces glutamic acid 902 with lysine.
Molecular consequence: missense variant. On other transcripts: intron variant (18).
Genome position (GRCh38, 1-based): chr2:240,757,473, C>T on the plus strand (G>A on the coding strand, the complement: KIF1A is on the minus strand). VCF-style: chr2-240757473-C-T. GRCh37 (hg19) VCF-style: chr2-241696890-C-T.
Other names: c.2779G>A, p.Glu927Lys (NM_001379631.1); c.2653G>A, p.Glu885Lys (NM_001379632.1); c.2677G>A, p.Glu893Lys (NM_001379633.1, NM_001379642.1, NM_001379645.1); c.2555+887G>A (NM_001379653.1, NM_001379650.1, NM_001379640.1 and 6 more transcripts); c.2657+887G>A (NM_001379635.1, NM_001330290.2, NM_001379646.1 and 1 more transcripts); c.2630+887G>A (NM_001379637.1, NM_001379648.1); c.2582+887G>A (NM_001320705.2, NM_001379638.1, NM_001330289.2); short protein forms E893K, E885K, E902K, E927K.
Identifiers: ClinVar variation 1794968 (VCV001794968.2), dbSNP rs1042778415, ClinGen allele CA68169827.
Genomic context (GRCh38, chr2:240,757,473, plus strand): 5'-CCTCCTCCTCATCCTCCTCCTCCTCCTCCTCCTCCTCCTCCTCCCCCACGCTCTGCTCCT[C>T]GGCAGGCTCGGTGGCGTCGGAGTCGGGGCTCGAGAAGGTGGGGGAGGGGGTGAGAGCAGC-3'
Protein context (NP_001230937.1, residues 892-912): SPDSDATEPA[Glu902Lys]EQSVGEEEEE